The following is an entry in ClinVar:

ClinVar aggregate classification (germline): Benign/Likely benign. Review status: criteria provided, multiple submitters, no conflicts (2 of 4 stars). 4 submissions from 4 submitters: Benign (2); Likely benign (1). 1 of the submissions does not count toward it. Last evaluated 2026-05-12.

Conditions:
SRCAP-related disorder. Also called: SRCAP-related condition.

Allele frequency attached by ClinVar (database versions not stated): gnomAD exomes 0.00090 and 0.00237; ExAC 0.00293; gnomAD 0.00915 and 0.00994; ESP Exome Variant Server 0.01016; TOPMed 0.01042; 1000 Genomes Project 0.01118; 1000 Genomes Project 30x 0.01156.

Submissions (6):

Women's Health and Genetics/Laboratory Corporation of America, LabCorp
Classification: Benign. Last evaluated: 2026-05-12. Review status: criteria provided, single submitter. Criteria: LabCorp Variant Classification Summary - May 2015. Collection method: clinical testing. Allele origin: germline.

Labcorp Genetics (formerly Invitae), Labcorp
Classification: Benign. Last evaluated: 2026-02-01. Review status: criteria provided, single submitter. Criteria: Invitae Variant Classification Sherloc (09022015). Collection method: clinical testing. Allele origin: germline.

Center for Pediatric Genomic Medicine, Children's Mercy Hospital and Clinics
Classification: Likely benign. Last evaluated: 2017-05-03. Review status: criteria provided, single submitter. Criteria: ACMG Guidelines, 2015. Collection method: clinical testing. Allele origin: germline.

PreventionGenetics, part of Exact Sciences
Classification: Benign for SRCAP-related condition. Last evaluated: 2024-03-28. Review status: no assertion criteria provided. Collection method: clinical testing. Allele origin: germline. Not counted in ClinVar's aggregate classification.
Comment: This variant is classified as benign based on ACMG/AMP sequence variant interpretation guidelines (Richards et al. 2015 PMID: 25741868, with internal and published modifications).

Dr. Peter K. Rogan Lab, Western University
No classification provided (evidence only). Condition: Acute myeloid leukemia. Review status: no classification provided. Collection method: in vitro. Allele origin: not applicable. Functional consequence: skipped exon, retained intron. Not counted in ClinVar's aggregate classification.

Dr. Peter K. Rogan Lab, Western University
No classification provided (evidence only). Condition: Malignant tumor of esophagus. Review status: no classification provided. Collection method: in vitro. Allele origin: not applicable. Functional consequence: retained intron. Not counted in ClinVar's aggregate classification.

NM_006662.3(SRCAP):c.6495-8C>A

Gene: SRCAP (Snf2 related CREBBP activator protein; plus strand). Cytogenetic location: 16p11.2.
Variant type: single nucleotide variant.
Coding change: c.6495-8C>A on transcript NM_006662.3 (MANE Select); 8 bases into the intron before coding-DNA position 6495, C replaced by A.
Molecular consequence: intron variant.
Genome position (GRCh38, 1-based): chr16:30,733,886, C>A. VCF-style: chr16-30733886-C-A. GRCh37 (hg19) VCF-style: chr16-30745207-C-A.
Identifiers: ClinVar variation 318890 (VCV000318890.15), dbSNP rs75991082, ClinGen allele CA8012252.
Genomic context (GRCh38, chr16:30,733,886, plus strand): 5'-TTTCCGTTTACTGATGGGGTTTCCTGGATATATTTGGCTGCTTACACACGGCCTTCATCA[C>A]CCCCTAGGCTTATCAGTGAACGGACAGTGGAGGAGAACATCCTAAAAAAGGCAAATCAGA-3'